The following is an entry in ClinVar:

ClinVar aggregate classification (germline): Uncertain significance. Review status: criteria provided, multiple submitters, no conflicts (2 of 4 stars). 2 submissions from 2 submitters: Uncertain significance (2). Last evaluated 2025-11-18.

Submissions (2):

Ambry Genetics
Classification: Uncertain significance. Last evaluated: 2025-11-18. Review status: criteria provided, single submitter. Criteria: Ambry Variant Classification Scheme 2023. Collection method: clinical testing. Allele origin: germline.
Comment: The p.N481D variant (also known as c.1441A>G), located in coding exon 8 of the RNF43 gene, results from an A to G substitution at nucleotide position 1441. The asparagine at codon 481 is replaced by aspartic acid, an amino acid with highly similar properties. This amino acid position is conserved. In addition, this alteration is predicted to be tolerated by in silico analysis. Based on the available evidence, the clinical significance of this variant remains unclear.

Labcorp Genetics (formerly Invitae), Labcorp
Classification: Uncertain significance. Last evaluated: 2024-07-08. Review status: criteria provided, single submitter. Criteria: Invitae Variant Classification Sherloc (09022015). Collection method: clinical testing. Allele origin: germline.
Comment: This sequence change replaces asparagine, which is neutral and polar, with aspartic acid, which is acidic and polar, at codon 481 of the RNF43 protein (p.Asn481Asp). This variant is not present in population databases (gnomAD no frequency). This variant has not been reported in the literature in individuals affected with RNF43-related conditions. An algorithm developed to predict the effect of missense changes on protein structure and function (PolyPhen-2) suggests that this variant is likely to be disruptive. In summary, the available evidence is currently insufficient to determine the role of this variant in disease. Therefore, it has been classified as a Variant of Uncertain Significance.

NM_017763.6(RNF43):c.1441A>G (p.Asn481Asp)

Gene: RNF43 (ring finger protein 43; minus strand). Cytogenetic location: 17q22.
Variant type: single nucleotide variant.
Coding change: c.1441A>G on transcript NM_017763.6 (MANE Select); coding-DNA position 1441, A replaced by G.
Protein change: p.Asn481Asp; replaces asparagine 481 with aspartic acid.
Molecular consequence: missense variant.
Genome position (GRCh38, 1-based): chr17:58,358,335, T>C on the plus strand (A>G on the coding strand, the complement: RNF43 is on the minus strand). VCF-style: chr17-58358335-T-C. GRCh37 (hg19) VCF-style: chr17-56435696-T-C.
Other names: c.1060A>G, p.Asn354Asp (NM_001305545.2); c.1441A>G, p.Asn481Asp (NM_001305544.3); c.1441A>G (NM_017763.4); short protein forms N354D, N481D.
Identifiers: ClinVar variation 3623121 (VCV003623121.3).